The following is an entry in ClinVar:

NM_153240.5(NPHP3):c.2545A>G (p.Ile849Val)

Genes: NPHP3 (nephrocystin 3; minus strand), NPHP3-ACAD11 (NPHP3-ACAD11 readthrough (NMD candidate); minus strand). Cytogenetic location: 3q22.1.
Variant type: single nucleotide variant.
Coding change: c.2545A>G on transcript NM_153240.5 (MANE Select); coding-DNA position 2545, A replaced by G.
Protein change: p.Ile849Val; replaces isoleucine 849 with valine.
Molecular consequence: missense variant. On other transcripts: non-coding transcript variant (1).
Genome position (GRCh38, 1-based): chr3:132,691,217, T>C on the plus strand (A>G on the coding strand, the complement: NPHP3 is on the minus strand). VCF-style: chr3-132691217-T-C. GRCh37 (hg19) VCF-style: chr3-132410061-T-C.
Other names: short protein forms I849V.
Identifiers: ClinVar variation 1060932 (VCV001060932.9), dbSNP rs1939290522, ClinGen allele CA354581063.

ClinVar aggregate classification (germline): Uncertain significance (1 of 4 stars; one submission).

Conditions:
Nephronophthisis. Also called: Juvenile Nephronophthisis. Identifiers: Orphanet 655, MedGen C0687120, MONDO:0019005, HP:0000090.

Submission:

Labcorp Genetics (formerly Invitae), Labcorp
Classification: Uncertain significance for Nephronophthisis. Last evaluated: 2022-10-13. Review status: criteria provided, single submitter. Criteria: Invitae Variant Classification Sherloc (09022015). Collection method: clinical testing. Allele origin: germline.
Comment: In summary, the available evidence is currently insufficient to determine the role of this variant in disease. Therefore, it has been classified as a Variant of Uncertain Significance. Advanced modeling of protein sequence and biophysical properties (such as structural, functional, and spatial information, amino acid conservation, physicochemical variation, residue mobility, and thermodynamic stability) performed at Invitae indicates that this missense variant is not expected to disrupt NPHP3 protein function. ClinVar contains an entry for this variant (Variation ID: 1060932). This variant has not been reported in the literature in individuals affected with NPHP3-related conditions. This variant is not present in population databases (gnomAD no frequency). This sequence change replaces isoleucine, which is neutral and non-polar, with valine, which is neutral and non-polar, at codon 849 of the NPHP3 protein (p.Ile849Val).